The following is an entry in ClinVar:

ClinVar aggregate classification (germline): Uncertain significance (1 of 4 stars; one submission).

Conditions:
Cardiovascular phenotype. Identifiers: MedGen CN230736.

Submission:

Ambry Genetics
Classification: Uncertain significance for Cardiovascular phenotype. Last evaluated: 2025-09-28. Review status: criteria provided, single submitter. Criteria: Ambry Variant Classification Scheme 2023. Collection method: clinical testing. Allele origin: germline.
Comment: The p.A77S variant (also known as c.229G>T), located in coding exon 1 of the DOLK gene, results from a G to T substitution at nucleotide position 229. The alanine at codon 77 is replaced by serine, an amino acid with similar properties. This amino acid position is conserved. In addition, the in silico prediction for this alteration is inconclusive. Based on the available evidence, the clinical significance of this variant remains unclear.

NM_014908.4(DOLK):c.229G>T (p.Ala77Ser)

Gene: DOLK (dolichol kinase; minus strand). Cytogenetic location: 9q34.11.
Variant type: single nucleotide variant.
Coding change: c.229G>T on transcript NM_014908.4 (MANE Select); coding-DNA position 229, G replaced by T.
Protein change: p.Ala77Ser; replaces alanine 77 with serine.
Molecular consequence: missense variant.
Genome position (GRCh38, 1-based): chr9:128,947,075, C>A on the plus strand (G>T on the coding strand, the complement: DOLK is on the minus strand). VCF-style: chr9-128947075-C-A. GRCh37 (hg19) VCF-style: chr9-131709354-C-A.
Other names: short protein forms A77S.
Identifiers: ClinVar variation 4613985 (VCV004613985.1).